The following is an entry in ClinVar:

NM_005732.4(RAD50):c.1164C>G (p.Phe388Leu)

Gene: RAD50 (RAD50 double strand break repair protein; plus strand). Cytogenetic location: 5q31.1.
Variant type: single nucleotide variant.
Coding change: c.1164C>G on transcript NM_005732.4 (MANE Select); coding-DNA position 1164, C replaced by G.
Protein change: p.Phe388Leu; replaces phenylalanine 388 with leucine.
Molecular consequence: missense variant.
Genome position (GRCh38, 1-based): chr5:132,588,799, C>G. VCF-style: chr5-132588799-C-G. GRCh37 (hg19) VCF-style: chr5-131924491-C-G.
Other names: short protein forms F388L.
Identifiers: ClinVar variation 216616 (VCV000216616.14), dbSNP rs764621889, ClinGen allele CA337032.
Genomic context (GRCh38, chr5:132,588,799, plus strand): 5'-TTCATTAATTCAGTCTTTGGCAACACAGCTAGAATTGGATGGCTTTGAGCGTGGACCATT[C>G]AGTGAAAGACAGATTAAAAATTTTCACAAACTTGTGAGAGAGAGACAAGAAGGGGAAGCA-3'
Protein context (NP_005723.2, residues 378-398): LELDGFERGP[Phe388Leu]SERQIKNFHK

ClinVar aggregate classification (germline): Conflicting classifications of pathogenicity. Review status: criteria provided, conflicting classifications (1 of 4 stars). 2 submissions from 2 submitters: Uncertain significance (1); Likely benign (1). Last evaluated 2024-03-28.

Conditions:
Hereditary cancer-predisposing syndrome. Also called: Hereditary Cancer Syndrome; Hereditary neoplastic syndrome; Neoplastic Syndromes, Hereditary; Tumor predisposition. Identifiers: Orphanet 140162, MedGen C0027672, MeSH D009386, MONDO:0015356.

Allele frequency attached by ClinVar (database versions not stated): ExAC 0.00001; gnomAD exomes 0.00001.

Submissions (2):

Ambry Genetics
Classification: Likely benign for Hereditary cancer-predisposing syndrome. Last evaluated: 2024-03-28. Review status: criteria provided, single submitter. Criteria: Ambry Variant Classification Scheme 2023. Collection method: clinical testing. Allele origin: germline.

Labcorp Genetics (formerly Invitae), Labcorp
Classification: Uncertain significance for Hereditary cancer-predisposing syndrome. Last evaluated: 2023-05-30. Review status: criteria provided, single submitter. Criteria: Invitae Variant Classification Sherloc (09022015). Collection method: clinical testing. Allele origin: germline.
Comment: This sequence change replaces phenylalanine, which is neutral and non-polar, with leucine, which is neutral and non-polar, at codon 388 of the RAD50 protein (p.Phe388Leu). This variant is present in population databases (rs764621889, gnomAD 0.006%). This variant has not been reported in the literature in individuals affected with RAD50-related conditions. ClinVar contains an entry for this variant (Variation ID: 216616). Advanced modeling of protein sequence and biophysical properties (such as structural, functional, and spatial information, amino acid conservation, physicochemical variation, residue mobility, and thermodynamic stability) performed at Invitae indicates that this missense variant is not expected to disrupt RAD50 protein function. In summary, the available evidence is currently insufficient to determine the role of this variant in disease. Therefore, it has been classified as a Variant of Uncertain Significance.